The following is an entry in ClinVar:

NM_205850.3(SLC24A5):c.1066G>C (p.Val356Leu)

Genes: MYEF2 (myelin expression factor 2; minus strand), SLC24A5 (solute carrier family 24 member 5; plus strand). Cytogenetic location: 15q21.1.
Variant type: single nucleotide variant.
Coding change: c.1066G>C on transcript NM_205850.3 (MANE Select); coding-DNA position 1066, G replaced by C.
Protein change: p.Val356Leu; replaces valine 356 with leucine.
Molecular consequence: missense variant. On other transcripts: 3 prime UTR variant (2).
Genome position (GRCh38, 1-based): chr15:48,139,163, G>C. VCF-style: chr15-48139163-G-C. GRCh37 (hg19) VCF-style: chr15-48431360-G-C.
Other names: c.*3745C>G (NM_001301210.2, NM_016132.5); short protein forms V356L.
Identifiers: ClinVar variation 1363921 (VCV001363921.5), dbSNP rs774959206, ClinGen allele CA7546037.

ClinVar aggregate classification (germline): Uncertain significance. Review status: criteria provided, multiple submitters, no conflicts (2 of 4 stars). 2 submissions from 2 submitters: Uncertain significance (2). Last evaluated 2023-12-17.

Conditions:
Inborn genetic diseases. Identifiers: MedGen C0950123, MeSH D030342.

Allele frequency attached by ClinVar (database versions not stated): gnomAD 0.00003 and 0.00004; gnomAD exomes 0.00007; TOPMed 0.00008; ExAC 0.00012.
gnomAD v4.1: 119 of 1,610,656 alleles (0.0074%); highest among the groups gnomAD compares: Middle Eastern, 0.018%; no homozygotes.

Submissions (2):

Ambry Genetics
Classification: Uncertain significance for Inborn genetic diseases. Last evaluated: 2023-12-17. Review status: criteria provided, single submitter. Criteria: Ambry Variant Classification Scheme 2023. Collection method: clinical testing. Allele origin: germline.

Labcorp Genetics (formerly Invitae), Labcorp
Classification: Uncertain significance. Last evaluated: 2022-08-07. Review status: criteria provided, single submitter. Criteria: Invitae Variant Classification Sherloc (09022015). Collection method: clinical testing. Allele origin: germline.
Comment: In summary, the available evidence is currently insufficient to determine the role of this variant in disease. Therefore, it has been classified as a Variant of Uncertain Significance. Algorithms developed to predict the effect of missense changes on protein structure and function are either unavailable or do not agree on the potential impact of this missense change (SIFT: "Deleterious"; PolyPhen-2: "Benign"; Align-GVGD: "Class C0"). ClinVar contains an entry for this variant (Variation ID: 1363921). This variant has not been reported in the literature in individuals affected with SLC24A5-related conditions. This variant is present in population databases (rs774959206, gnomAD 0.01%). This sequence change replaces valine, which is neutral and non-polar, with leucine, which is neutral and non-polar, at codon 356 of the SLC24A5 protein (p.Val356Leu).